The following is an entry in ClinVar:

ClinVar aggregate classification (germline): Likely pathogenic (1 of 4 stars; one submission).

Conditions:
Microcephaly, normal intelligence and immunodeficiency (NBS). Also called: Nijmegen breakage syndrome; Microcephaly with normal intelligence immunodeficiency and lymphoreticular malignancies; Nonsyndromal microcephaly autosomal recessive with normal intelligence; Seemanova syndrome 2; IMMUNODEFICIENCY, MICROCEPHALY, AND CHROMOSOMAL INSTABILITY; Ataxia telangiectasia variant V1. Identifiers: Orphanet 647, MedGen C0398791, MONDO:0009623, OMIM 251260.

Submission:

Labcorp Genetics (formerly Invitae), Labcorp
Classification: Likely pathogenic for Microcephaly, normal intelligence and immunodeficiency. Last evaluated: 2022-03-05. Review status: criteria provided, single submitter. Criteria: Invitae Variant Classification Sherloc (09022015). Collection method: clinical testing. Allele origin: germline.
Comment: A similar copy number variant has been observed in individual(s) with breast cancer (PMID: 26681312). In summary, the currently available evidence indicates that the variant is pathogenic, but additional data are needed to prove that conclusively. Therefore, this variant has been classified as Likely Pathogenic. This variant disrupts the ATM interaction domain of the NBN protein (PMID: 24894818, 21035407), which is important for activating ATM in the double-strand break repair pathway (PMID: 15964794, 15048089). While functional studies have not been performed to directly test the effect of this variant on NBN protein function, this suggests that disruption of this region of the protein is causative of disease. This variant is a gross deletion of the genomic region encompassing exon(s) 12-16 of the NBN gene, which includes the termination codon. This deletion extends beyond the assayed region for this gene and therefore may encompass additional genes. While this deletion is not anticipated to lead to nonsense mediated decay, it is expected to alter mRNA translation or result in a truncated protein product.

Literature cited by the submitters: PubMed 26681312; PubMed 24894818; PubMed 21035407; PubMed 15964794; PubMed 15048089.

NC_000008.10:g.(?_90947810)_(90960130_?)del

Gene: NBN (nibrin; minus strand). Cytogenetic location: 8q21.3.
Variant type: Deletion.
Identifiers: ClinVar variation 2424463 (VCV002424463.4).